The following is an entry in ClinVar:

NM_001283009.2(RTEL1):c.3298G>T (p.Ala1100Ser)

Genes: RTEL1 (regulator of telomere elongation helicase 1; plus strand), RTEL1-TNFRSF6B (RTEL1-TNFRSF6B readthrough (NMD candidate); plus strand). Cytogenetic location: 20q13.33.
Variant type: single nucleotide variant.
Coding change: c.3298G>T on transcript NM_001283009.2 (MANE Select); coding-DNA position 3298, G replaced by T.
Protein change: p.Ala1100Ser; replaces alanine 1100 with serine.
Molecular consequence: missense variant. On other transcripts: non-coding transcript variant (1).
Genome position (GRCh38, 1-based): chr20:63,694,929, G>T. VCF-style: chr20-63694929-G-T. GRCh37 (hg19) VCF-style: chr20-62326282-G-T.
Other names: c.2629G>T, p.Ala877Ser (NM_001283010.1); c.3298G>T, p.Ala1100Ser (NM_016434.4); c.3370G>T, p.Ala1124Ser (NM_032957.5); short protein forms A877S, A1100S, A1124S.
Identifiers: ClinVar variation 3790955 (VCV003790955.1).

ClinVar aggregate classification (germline): Uncertain significance (1 of 4 stars; one submission).

Conditions:
Inborn genetic diseases. Identifiers: MedGen C0950123, MeSH D030342.

gnomAD v4.1: 2 of 1,612,584 alleles (0.00012%); highest among the groups gnomAD compares: Non-Finnish European, 0.00017%; no homozygotes.

Submission:

Ambry Genetics
Classification: Uncertain significance for Inborn genetic diseases. Last evaluated: 2024-12-12. Review status: criteria provided, single submitter. Criteria: Ambry Variant Classification Scheme 2023. Collection method: clinical testing. Allele origin: germline.
Comment: The p.A1100S variant (also known as c.3298G>T), located in coding exon 31 of the RTEL1 gene, results from a G to T substitution at nucleotide position 3298. The alanine at codon 1100 is replaced by serine, an amino acid with similar properties. This amino acid position is conserved. In addition, the in silico prediction for this alteration is inconclusive. Based on the available evidence, the clinical significance of this variant remains unclear.